The following is an entry in ClinVar:

NM_000264.5(PTCH1):c.1258C>T (p.Leu420Phe)

Gene: PTCH1 (patched 1; minus strand). Cytogenetic location: 9q22.32.
Variant type: single nucleotide variant.
Coding change: c.1258C>T on transcript NM_000264.5 (MANE Select); coding-DNA position 1258, C replaced by T.
Protein change: p.Leu420Phe; replaces leucine 420 with phenylalanine.
Molecular consequence: missense variant. On other transcripts: non-coding transcript variant (1).
Genome position (GRCh38, 1-based): chr9:95,478,144, G>A on the plus strand (C>T on the coding strand, the complement: PTCH1 is on the minus strand). VCF-style: chr9-95478144-G-A. GRCh37 (hg19) VCF-style: chr9-98240426-G-A.
Other names: c.1258C>T (NM_000264.3); c.1060C>T, p.Leu354Phe (NM_001083602.3); c.1255C>T, p.Leu419Phe (NM_001083603.3); c.805C>T, p.Leu269Phe (NM_001083604.3, NM_001083605.3, NM_001083606.3 and 1 more transcripts); c.1258C>T, p.Leu420Phe (NM_001354918.2); short protein forms L269F, L354F, L419F, L420F.
Identifiers: ClinVar variation 1395943 (VCV001395943.9), dbSNP rs1841229239, ClinGen allele CA374118883.

ClinVar aggregate classification (germline): Uncertain significance. Review status: criteria provided, multiple submitters, no conflicts (2 of 4 stars). 2 submissions from 2 submitters: Uncertain significance (2). Last evaluated 2026-03-02.

Conditions:
Hereditary cancer-predisposing syndrome. Also called: Hereditary neoplastic syndrome; Tumor predisposition; Neoplastic Syndromes, Hereditary; Hereditary Cancer Syndrome. Identifiers: Orphanet 140162, MedGen C0027672, MeSH D009386, MONDO:0015356.
Gorlin syndrome. Also called: Basal cell nevus syndrome; Nevoid Basal Cell Carcinoma Syndrome. Identifiers: Orphanet 377, MedGen C0004779, MONDO:0007187.

Submissions (2):

Ambry Genetics
Classification: Uncertain significance for Hereditary cancer-predisposing syndrome. Last evaluated: 2026-03-02. Review status: criteria provided, single submitter. Criteria: Ambry Variant Classification Scheme 2023. Collection method: clinical testing. Allele origin: germline.
Comment: The p.L420F variant (also known as c.1258C>T), located in coding exon 9 of the PTCH1 gene, results from a C to T substitution at nucleotide position 1258. The leucine at codon 420 is replaced by phenylalanine, an amino acid with highly similar properties. This amino acid position is conserved. In addition, the in silico prediction for this alteration is inconclusive. Based on the available evidence, the clinical significance of this variant remains unclear.

Labcorp Genetics (formerly Invitae), Labcorp
Classification: Uncertain significance for Gorlin syndrome. Last evaluated: 2022-07-12. Review status: criteria provided, single submitter. Criteria: Invitae Variant Classification Sherloc (09022015). Collection method: clinical testing. Allele origin: germline.
Comment: This variant is not present in population databases (gnomAD no frequency). This variant has not been reported in the literature in individuals affected with PTCH1-related conditions. ClinVar contains an entry for this variant (Variation ID: 1395943). Advanced modeling of protein sequence and biophysical properties (such as structural, functional, and spatial information, amino acid conservation, physicochemical variation, residue mobility, and thermodynamic stability) performed at Invitae indicates that this missense variant is not expected to disrupt PTCH1 protein function. In summary, the available evidence is currently insufficient to determine the role of this variant in disease. Therefore, it has been classified as a Variant of Uncertain Significance. This sequence change replaces leucine, which is neutral and non-polar, with phenylalanine, which is neutral and non-polar, at codon 420 of the PTCH1 protein (p.Leu420Phe).